The following is an entry in ClinVar:

NM_000346.4(SOX9):c.370G>C (p.Ala124Pro)

Genes: SOX9 (SRY-box transcription factor 9; plus strand), LOC108021846 (SOX9 promoter region; plus strand). Cytogenetic location: 17q24.3.
Variant type: single nucleotide variant.
Coding change: c.370G>C on transcript NM_000346.4 (MANE Select); coding-DNA position 370, G replaced by C.
Protein change: p.Ala124Pro; replaces alanine 124 with proline.
Molecular consequence: missense variant.
Genome position (GRCh38, 1-based): chr17:72,121,761, G>C. VCF-style: chr17-72121761-G-C. GRCh37 (hg19) VCF-style: chr17-70117902-G-C.
Other names: short protein forms A124P.
Identifiers: ClinVar variation 392305 (VCV000392305.4), dbSNP rs1057524437, ClinGen allele CA16607507.
Genomic context (GRCh38, chr17:72,121,761, plus strand): 5'-CACGTCAAGCGGCCCATGAACGCCTTCATGGTGTGGGCGCAGGCGGCGCGCAGGAAGCTC[G>C]CGGACCAGTACCCGCACTTGCACAACGCCGAGCTCAGCAAGACGCTGGGCAAGCTCTGGA-3'
Protein context (NP_000337.1, residues 114-134): VWAQAARRKL[Ala124Pro]DQYPHLHNAE

ClinVar aggregate classification (germline): Uncertain significance (1 of 4 stars; one submission).

Submission:

GeneDx
Classification: Uncertain significance. Last evaluated: 2019-11-16. Review status: criteria provided, single submitter. Criteria: GeneDx Variant Classification Process June 2021. Collection method: clinical testing. Allele origin: germline. Affected: yes.
Comment: Not observed in large population cohorts (Lek et al., 2016); In silico analysis, which includes protein predictors and evolutionary conservation, supports a deleterious effect; Has not been previously published as pathogenic or benign to our knowledge